The following is an entry in ClinVar:

ClinVar aggregate classification (germline): Likely benign. Review status: criteria provided, multiple submitters, no conflicts (2 of 4 stars). 4 submissions from 4 submitters: Likely benign (4). Last evaluated 2025-09-04.

Conditions:
HK1-related disorder. Also called: HK1-related disorders; HK1-related condition.

Allele frequency attached by ClinVar (database versions not stated): ExAC 0.00005; gnomAD exomes 0.00008 and 0.00010; gnomAD 0.00011 and 0.00014; TOPMed 0.00023.
gnomAD v4.1: 172 of 1,613,930 alleles (0.011%); highest among the groups gnomAD compares: Middle Eastern, 0.033%; no homozygotes.

Submissions (4):

PreventionGenetics, part of Exact Sciences
Classification: Likely benign for HK1-related condition. Last evaluated: 2025-09-04. Review status: criteria provided, single submitter. Criteria: ACMG Guidelines, 2015. Collection method: clinical testing. Allele origin: germline.
Comment: This variant is classified as likely benign based on ACMG/AMP sequence variant interpretation guidelines (Richards et al. 2015 PMID: 25741868, with internal and published modifications).

CeGaT Center for Human Genetics Tuebingen
Classification: Likely benign. Last evaluated: 2025-09-01. Review status: criteria provided, single submitter. Criteria: CeGaT Center For Human Genetics Tuebingen Variant Classification Criteria Version 2. Collection method: clinical testing. Allele origin: germline. Affected: yes. Observed: 1 variant allele.
Comment: HK1: BP4, BP7

Labcorp Genetics (formerly Invitae), Labcorp
Classification: Likely benign. Last evaluated: 2025-05-04. Review status: criteria provided, single submitter. Criteria: Invitae Variant Classification Sherloc (09022015). Collection method: clinical testing. Allele origin: germline.

Blueprint Genetics
Classification: Likely benign. Last evaluated: 2024-09-20. Review status: criteria provided, single submitter. Criteria: ACMG Guidelines, 2015. Collection method: clinical testing. Allele origin: germline.

NM_000188.3(HK1):c.360C>T (p.His120=)

Gene: HK1 (hexokinase 1; plus strand). Cytogenetic location: 10q22.1.
Variant type: single nucleotide variant.
Coding change: c.360C>T on transcript NM_000188.3 (MANE Select); coding-DNA position 360, C replaced by T.
Protein change: p.His120=; no amino-acid change (histidine 120 retained).
Molecular consequence: synonymous variant.
Genome position (GRCh38, 1-based): chr10:69,360,030, C>T. VCF-style: chr10-69360030-C-T. GRCh37 (hg19) VCF-style: chr10-71119786-C-T.
Other names: c.372C>T, p.His124= (NM_001322364.2, NM_001358263.1, NM_033497.3 and 1 more transcripts); c.465C>T, p.His155= (NM_001322365.2); c.276C>T, p.His92= (NM_001322366.1); c.360C>T, p.His120= (NM_001322367.1); c.357C>T, p.His119= (NM_033496.3); c.324C>T, p.His108= (NM_033500.2); c.360C>T (NM_000188.2).
Identifiers: ClinVar variation 1132922 (VCV001132922.18), dbSNP rs749545834, ClinGen allele CA5532285.